The following is an entry in ClinVar:

ClinVar aggregate classification (germline): Conflicting classifications of pathogenicity. Review status: criteria provided, conflicting classifications (1 of 4 stars). 6 submissions from 6 submitters: Uncertain significance (5); Likely benign (1). Last evaluated 2026-03-04.

Conditions:
Monogenic diabetes. Identifiers: Orphanet 183625, MedGen C3888631, MONDO:0015967.
Neonatal diabetes mellitus with congenital hypothyroidism. Also called: NDH SYNDROME. Identifiers: Orphanet 79118, MedGen C1857775, MONDO:0012436, OMIM 610199.

Allele frequency attached by ClinVar (database versions not stated): ExAC 0.00021; ESP Exome Variant Server 0.00023; gnomAD exomes 0.00023; TOPMed 0.00032.

Submissions (6):

GeneDx
Classification: Uncertain significance. Last evaluated: 2026-03-04. Review status: criteria provided, single submitter. Criteria: GeneDx Variant Classification Process June 2021. Collection method: clinical testing. Allele origin: germline.
Comment: In silico analysis suggests that this missense variant does not alter protein structure/function; Has not been previously published as pathogenic or benign to our knowledge

Labcorp Genetics (formerly Invitae), Labcorp
Classification: Uncertain significance. Last evaluated: 2026-02-02. Review status: criteria provided, single submitter. Criteria: Invitae Variant Classification Sherloc (09022015). Collection method: clinical testing. Allele origin: germline.
Comment: This sequence change replaces arginine, which is basic and polar, with histidine, which is basic and polar, at codon 544 of the GLIS3 protein (p.Arg544His). This variant is present in population databases (rs149840771, gnomAD 0.05%). This variant has not been reported in the literature in individuals affected with GLIS3-related conditions. ClinVar contains an entry for this variant (Variation ID: 435335). An algorithm developed to predict the effect of missense changes on protein structure and function outputs the following: PolyPhen-2: "Benign". The histidine amino acid residue is found in multiple mammalian species, which suggests that this missense change does not adversely affect protein function. In summary, the available evidence is currently insufficient to determine the role of this variant in disease. Therefore, it has been classified as a Variant of Uncertain Significance.

Fulgent Genetics
Classification: Likely benign for Neonatal diabetes mellitus with congenital hypothyroidism. Last evaluated: 2024-05-03. Review status: criteria provided, single submitter. Criteria: ACMG Guidelines, 2015. Collection method: clinical testing. Allele origin: germline.

Personalized Diabetes Medicine Program, University of Maryland School of Medicine
Classification: Uncertain significance for Monogenic diabetes. Last evaluated: 2017-12-08. Review status: criteria provided, single submitter. Criteria: ACMG Guidelines, 2015. Collection method: research. Allele origin: unknown. Observed: 1 variant allele, 1 heterozygote.
Comment: ACMG criteria: BP4 (9 predictors) = VUS

Illumina Laboratory Services, Illumina
Classification: Uncertain significance for Neonatal diabetes mellitus with congenital hypothyroidism. Last evaluated: 2017-04-27. Review status: criteria provided, single submitter. Criteria: ICSL Variant Classification Criteria 13 December 2019. Collection method: clinical testing. Allele origin: germline.

Genetic Services Laboratory, University of Chicago
Classification: Uncertain significance. Last evaluated: 2016-11-07. Review status: criteria provided, single submitter. Criteria: ACMG Guidelines, 2015. Collection method: clinical testing. Allele origin: germline. Affected: no.

NM_001042413.2(GLIS3):c.2096G>A (p.Arg699His)

Genes: GLIS3-AS1 (GLIS3 antisense RNA 1; plus strand), GLIS3 (GLIS family zinc finger 3; minus strand). Cytogenetic location: 9p24.2.
Variant type: single nucleotide variant.
Coding change: c.2096G>A on transcript NM_001042413.2 (MANE Select); coding-DNA position 2096, G replaced by A.
Protein change: p.Arg699His; replaces arginine 699 with histidine.
Molecular consequence: missense variant. On other transcripts: non-coding transcript variant (1).
Genome position (GRCh38, 1-based): chr9:3,898,723, C>T on the plus strand (G>A on the coding strand, the complement: GLIS3 is on the minus strand). VCF-style: chr9-3898723-C-T. GRCh37 (hg19) VCF-style: chr9-3898723-C-T.
Other names: c.1631G>A, p.Arg544His (NM_152629.4); short protein forms R544H, R699H.
Identifiers: ClinVar variation 435335 (VCV000435335.18), dbSNP rs149840771, ClinGen allele CA4967958.